The following is an entry in ClinVar:

NM_005026.5(PIK3CD):c.2593G>A (p.Gly865Arg)

Gene: PIK3CD (phosphatidylinositol-4,5-bisphosphate 3-kinase catalytic subunit delta; plus strand). Cytogenetic location: 1p36.22.
Variant type: single nucleotide variant.
Coding change: c.2593G>A on transcript NM_005026.5 (MANE Select); coding-DNA position 2593, G replaced by A.
Protein change: p.Gly865Arg; replaces glycine 865 with arginine.
Molecular consequence: missense variant.
Genome position (GRCh38, 1-based): chr1:9,723,291, G>A. VCF-style: chr1-9723291-G-A. GRCh37 (hg19) VCF-style: chr1-9783349-G-A.
Other names: c.2590G>A, p.Gly864Arg (NM_001350234.2); c.2506G>A, p.Gly836Arg (NM_001350235.1); short protein forms G864R, G836R, G865R.
Identifiers: ClinVar variation 3657549 (VCV003657549.2).

ClinVar aggregate classification (germline): Uncertain significance (1 of 4 stars; one submission).

Conditions:
Immunodeficiency 14 (IMD14A). Also called: IMMUNODEFICIENCY 14A WITH LYMPHOPROLIFERATION, AUTOSOMAL DOMINANT; p110-DELTA-ACTIVATING MUTATION CAUSING SENESCENT T CELLS, LYMPHADENOPATHY, AND IMMUNODEFICIENCY; ACTIVATED PI3K-DELTA SYNDROME 1; Activated PI3K Delta Syndrome Type 1 (APDS1). Identifiers: Orphanet 397596, Orphanet 693661, MedGen C5907821, MONDO:0014222, OMIM 615513.

Submission:

Labcorp Genetics (formerly Invitae), Labcorp
Classification: Uncertain significance for Activated PI3K-delta syndrome. Last evaluated: 2024-06-23. Review status: criteria provided, single submitter. Criteria: Invitae Variant Classification Sherloc (09022015). Collection method: clinical testing. Allele origin: germline.
Comment: This sequence change replaces glycine, which is neutral and non-polar, with arginine, which is basic and polar, at codon 865 of the PIK3CD protein (p.Gly865Arg). This variant is not present in population databases (gnomAD no frequency). This variant has not been reported in the literature in individuals affected with PIK3CD-related conditions. An algorithm developed to predict the effect of missense changes on protein structure and function (PolyPhen-2) suggests that this variant is likely to be tolerated. In summary, the available evidence is currently insufficient to determine the role of this variant in disease. Therefore, it has been classified as a Variant of Uncertain Significance.